The following is an entry in ClinVar:

NM_000051.4(ATM):c.1391T>C (p.Leu464Ser)

Gene: ATM (ATM serine/threonine kinase; plus strand). Cytogenetic location: 11q22.3.
Variant type: single nucleotide variant.
Coding change: c.1391T>C on transcript NM_000051.4 (MANE Select); coding-DNA position 1391, T replaced by C.
Protein change: p.Leu464Ser; replaces leucine 464 with serine.
Molecular consequence: missense variant.
Genome position (GRCh38, 1-based): chr11:108,250,856, T>C. VCF-style: chr11-108250856-T-C. GRCh37 (hg19) VCF-style: chr11-108121583-T-C.
Other names: c.1391T>C, p.Leu464Ser (NM_001351834.2); short protein forms L464S.
Identifiers: ClinVar variation 4169695 (VCV004169695.1).

ClinVar aggregate classification (germline): Uncertain significance (1 of 4 stars; one submission).

Conditions:
Hereditary cancer-predisposing syndrome. Also called: Neoplastic Syndromes, Hereditary; Tumor predisposition; Hereditary Cancer Syndrome; Hereditary neoplastic syndrome. Identifiers: Orphanet 140162, MedGen C0027672, MeSH D009386, MONDO:0015356.

gnomAD v4.1: 1 of 1,614,170 alleles (0.000062%); highest among the groups gnomAD compares: Non-Finnish European, 0.000085%; no homozygotes.

Submission:

Ambry Genetics
Classification: Uncertain significance for Hereditary cancer-predisposing syndrome. Last evaluated: 2025-08-07. Review status: criteria provided, single submitter. Criteria: Ambry Variant Classification Scheme 2023. Collection method: clinical testing. Allele origin: germline.
Comment: The p.L464S variant (also known as c.1391T>C), located in coding exon 9 of the ATM gene, results from a T to C substitution at nucleotide position 1391. The leucine at codon 464 is replaced by serine, an amino acid with dissimilar properties. This amino acid position is well conserved in available vertebrate species. In addition, this alteration is predicted to be tolerated by in silico analysis. Based on the available evidence, the clinical significance of this variant remains unclear.